The following is an entry in ClinVar:

ClinVar aggregate classification (germline): Uncertain significance. Review status: criteria provided, single submitter (1 of 4 stars). 2 submissions from 2 submitters: Uncertain significance (1). 1 of the submissions does not count toward it. Last evaluated 2019-02-06.

Conditions:
SLCO1B3-related disorder. Also called: SLCO1B3-related condition.

gnomAD v4.1: 4 of 1,612,170 alleles (0.00025%); highest among the groups gnomAD compares: Non-Finnish European, 0.00034%; no homozygotes.

Submissions (2):

ARUP Laboratories, Molecular Genetics and Genomics, ARUP Laboratories
Classification: Uncertain significance. Last evaluated: 2019-02-06. Review status: criteria provided, single submitter. Criteria: ARUP Molecular Germline Variant Investigation Process. Collection method: clinical testing. Allele origin: germline.

PreventionGenetics, part of Exact Sciences
Classification: Likely benign for SLCO1B3-related condition. Last evaluated: 2023-12-15. Review status: no assertion criteria provided. Collection method: clinical testing. Allele origin: germline. Not counted in ClinVar's aggregate classification.
Comment: This variant is classified as likely benign based on ACMG/AMP sequence variant interpretation guidelines (Richards et al. 2015 PMID: 25741868, with internal and published modifications).

NM_019844.4(SLCO1B3):c.728-4C>G

Genes: SLCO1B3 (solute carrier organic anion transporter family member 1B3; plus strand), SLCO1B3-SLCO1B7 (SLCO1B3-SLCO1B7 readthrough; plus strand). Cytogenetic location: 12p12.2.
Variant type: single nucleotide variant.
Coding change: c.728-4C>G on transcript NM_019844.4 (MANE Select); 4 bases into the intron before coding-DNA position 728, C replaced by G.
Molecular consequence: intron variant.
Genome position (GRCh38, 1-based): chr12:20,875,231, C>G. VCF-style: chr12-20875231-C-G. GRCh37 (hg19) VCF-style: chr12-21028165-C-G.
Other names: c.644-4C>G (NM_001349920.2); c.728-4C>G (NM_001371097.1).
Identifiers: ClinVar variation 811270 (VCV000811270.10), dbSNP rs759435706, ClinGen allele CA915948412.